The following is an entry in ClinVar:

ClinVar aggregate classification (germline): Uncertain significance (1 of 4 stars; one submission).

Conditions:
Cardiovascular phenotype. Identifiers: MedGen CN230736.

Submission:

Ambry Genetics
Classification: Uncertain significance for Cardiovascular phenotype. Last evaluated: 2022-04-19. Review status: criteria provided, single submitter. Criteria: Ambry Variant Classification Scheme 2023. Collection method: clinical testing. Allele origin: germline.
Comment: The p.Q98E variant (also known as c.292C>G), located in coding exon 3 of the GPD1L gene, results from a C to G substitution at nucleotide position 292. The glutamine at codon 98 is replaced by glutamic acid, an amino acid with highly similar properties. This amino acid position is conserved. In addition, the in silico prediction for this alteration is inconclusive. Since supporting evidence is limited at this time, the clinical significance of this alteration remains unclear.

NM_015141.4(GPD1L):c.292C>G (p.Gln98Glu)

Gene: GPD1L (glycerol-3-phosphate dehydrogenase 1 like; plus strand). Cytogenetic location: 3p22.3.
Variant type: single nucleotide variant.
Coding change: c.292C>G on transcript NM_015141.4 (MANE Select); coding-DNA position 292, C replaced by G.
Protein change: p.Gln98Glu; replaces glutamine 98 with glutamic acid.
Molecular consequence: missense variant.
Genome position (GRCh38, 1-based): chr3:32,138,653, C>G. VCF-style: chr3-32138653-C-G. GRCh37 (hg19) VCF-style: chr3-32180145-C-G.
Other names: short protein forms Q98E.
Identifiers: ClinVar variation 1797786 (VCV001797786.3), dbSNP rs1700699629, ClinGen allele CA351974256.
Genomic context (GRCh38, chr3:32,138,653, plus strand): 5'-ATGTCAAATCTTAGCGAGGCTGTGCAGGATGCAGACCTGCTGGTGTTTGTCATTCCCCAC[C>G]AGTTCATTCACAGAATCTGTGATGAGATCACTGGGAGAGTGCCCAAGAAAGCGCTGGGAA-3'
Protein context (NP_055956.1, residues 88-108): ADLLVFVIPH[Gln98Glu]FIHRICDEIT